The following is an entry in ClinVar:

ClinVar aggregate classification (germline): Likely benign. Review status: criteria provided, multiple submitters, no conflicts (2 of 4 stars). 2 submissions from 2 submitters: Likely benign (2). Last evaluated 2025-06-09.

Conditions:
FAT4-related disorder. Also called: FAT4-related condition.

Allele frequency attached by ClinVar (database versions not stated): TOPMed below 0.00001; gnomAD 0.00004; gnomAD exomes 0.00007; ExAC 0.00019.
gnomAD v4.1: 102 of 1,602,702 alleles (0.0064%); highest among the groups gnomAD compares: South Asian, 0.11%; 1 homozygote.

Submissions (2):

Labcorp Genetics (formerly Invitae), Labcorp
Classification: Likely benign. Last evaluated: 2025-06-09. Review status: criteria provided, single submitter. Criteria: Invitae Variant Classification Sherloc (09022015). Collection method: clinical testing. Allele origin: germline.

PreventionGenetics, part of Exact Sciences
Classification: Likely benign for FAT4-related condition. Last evaluated: 2025-04-30. Review status: criteria provided, single submitter. Criteria: ACMG Guidelines, 2015. Collection method: clinical testing. Allele origin: germline.
Comment: This variant is classified as likely benign based on ACMG/AMP sequence variant interpretation guidelines (Richards et al. 2015 PMID: 25741868, with internal and published modifications).

NM_001291303.3(FAT4):c.12240T>C (p.Cys4080=)

Gene: FAT4 (FAT atypical cadherin 4; plus strand). Cytogenetic location: 4q28.1.
Variant type: single nucleotide variant.
Coding change: c.12240T>C on transcript NM_001291303.3 (MANE Select); coding-DNA position 12240, T replaced by C.
Protein change: p.Cys4080=; no amino-acid change (cysteine 4080 retained).
Molecular consequence: synonymous variant.
Genome position (GRCh38, 1-based): chr4:125,476,197, T>C. VCF-style: chr4-125476197-T-C. GRCh37 (hg19) VCF-style: chr4-126397352-T-C.
Other names: c.12234T>C (NM_024582.4); c.12240T>C, p.Cys4080= (NM_001291285.3); c.12234T>C, p.Cys4078= (NM_024582.6).
Identifiers: ClinVar variation 1929381 (VCV001929381.6), dbSNP rs753066599, ClinGen allele CA3074042.